The following is an entry in ClinVar:

NM_024675.4(PALB2):c.2771del (p.Pro924fs)

Gene: PALB2 (partner and localizer of BRCA2; minus strand). Cytogenetic location: 16p12.2.
Variant type: Deletion.
Coding change: c.2771del on transcript NM_024675.4 (MANE Select); coding-DNA position 2771, one base deleted (C; older notation c.2771delC).
Protein change: p.Pro924fs; shifts the reading frame from proline 924.
Molecular consequence: frameshift variant.
Genome position (GRCh38, 1-based): chr16:23,624,072, G deleted on the plus strand (C on the coding strand, the reverse complement: PALB2 is on the minus strand); the first of 2 consecutive G bases (chr16:23,624,072-23,624,073); deleting either gives the same sequence. VCF-style (leftmost placement, unchanged base first): chr16-23624071-TG-T. GRCh37 (hg19) VCF-style: chr16-23635392-TG-T.
Other names: short protein forms P924fs.
Identifiers: ClinVar variation 1440279 (VCV001440279.27), dbSNP rs2142344237, ClinGen allele CA2573152174.

ClinVar aggregate classification (germline): Pathogenic. Review status: criteria provided, multiple submitters, no conflicts (2 of 4 stars). 3 submissions from 3 submitters: Pathogenic (2). 1 of the submissions does not count toward it. Last evaluated 2023-09-13.

Conditions:
Familial cancer of breast. Also called: hereditary breast carcinoma; BREAST CANCER, FAMILIAL; Hereditary breast cancer. Identifiers: Orphanet 227535, MedGen C0346153, MONDO:0016419, OMIM 114480. Disease mechanism: loss of function.
Hereditary breast ovarian cancer syndrome. Also called: BRCA1- and BRCA2-Associated Hereditary Breast and Ovarian Cancer; Hereditary breast and ovarian cancer syndrome; Hereditary breast and ovarian cancer; Hereditary breast and ovarian cancer syndrome (HBOC); Breast and ovarian cancer; Hereditary breast and/or ovarian cancer syndrome. Identifiers: Orphanet 145, MedGen C0677776, MeSH D061325, MONDO:0003582. Disease mechanism: loss of function.

Submissions (3):

Myriad Genetics, Inc.
Classification: Pathogenic for Familial cancer of breast. Last evaluated: 2023-09-13. Review status: criteria provided, single submitter. Criteria: Myriad Autosomal Dominant, Autosomal Recessive and X-Linked Classification Criteria (2023). Collection method: clinical testing. Allele origin: unknown.
Comment: This variant is considered pathogenic. This variant creates a frameshift predicted to result in premature protein truncation.

Labcorp Genetics (formerly Invitae), Labcorp
Classification: Pathogenic for Familial cancer of breast. Last evaluated: 2021-08-22. Review status: criteria provided, single submitter. Criteria: Invitae Variant Classification Sherloc (09022015). Collection method: clinical testing. Allele origin: germline.
Comment: This sequence change creates a premature translational stop signal (p.Pro924Glnfs*11) in the PALB2 gene. It is expected to result in an absent or disrupted protein product. Loss-of-function variants in PALB2 are known to be pathogenic (PMID: 17200668, 17200671, 17200672, 24136930, 25099575). For these reasons, this variant has been classified as Pathogenic. This premature translational stop signal has been observed in individual(s) with breast cancer (PMID: 29431189). This variant is not present in population databases (ExAC no frequency).

BRCAlab, Lund University
Classification: Pathogenic for Hereditary breast ovarian cancer syndrome. Last evaluated: 2022-08-26. Review status: no assertion criteria provided. Collection method: clinical testing. Allele origin: germline. Affected: yes. Not counted in ClinVar's aggregate classification.

Literature cited by the submitters: PubMed 17200668 (cited by Labcorp Genetics (formerly Invitae), Labcorp); PubMed 17200671 (cited by Labcorp Genetics (formerly Invitae), Labcorp); PubMed 17200672 (cited by Labcorp Genetics (formerly Invitae), Labcorp); PubMed 24136930 (cited by Labcorp Genetics (formerly Invitae), Labcorp); PubMed 25099575 (cited by Labcorp Genetics (formerly Invitae), Labcorp); PubMed 29431189 (cited by Labcorp Genetics (formerly Invitae), Labcorp).